The following is an entry in ClinVar:

ClinVar aggregate classification (germline): Uncertain significance. Review status: criteria provided, multiple submitters, no conflicts (2 of 4 stars). 3 submissions from 3 submitters: Uncertain significance (3). Last evaluated 2025-09-30.

Conditions:
Hereditary cancer-predisposing syndrome. Also called: Neoplastic Syndromes, Hereditary; Tumor predisposition; Hereditary neoplastic syndrome; Hereditary Cancer Syndrome. Identifiers: Orphanet 140162, MedGen C0027672, MeSH D009386, MONDO:0015356.
Endometrial carcinoma. Also called: Endometrial carcinoma, somatic. Identifiers: MedGen C0476089, MONDO:0002447, OMIM 608089, HP:0012114.

Allele frequency attached by ClinVar (database versions not stated): gnomAD 0.00001; gnomAD exomes 0.00001 and 0.00002; ExAC 0.00002; TOPMed 0.00002.
gnomAD v4.1: 27 of 1,607,492 alleles (0.0017%); highest among the groups gnomAD compares: Non-Finnish European, 0.0023%; no homozygotes.

Submissions (3):

Labcorp Genetics (formerly Invitae), Labcorp
Classification: Uncertain significance. Last evaluated: 2025-09-30. Review status: criteria provided, single submitter. Criteria: Invitae Variant Classification Sherloc (09022015). Collection method: clinical testing. Allele origin: germline.
Comment: This sequence change replaces lysine, which is basic and polar, with glutamic acid, which is acidic and polar, at codon 303 of the MSH3 protein (p.Lys303Glu). This variant is present in population databases (rs765742189, gnomAD 0.005%). This variant has not been reported in the literature in individuals affected with MSH3-related conditions. ClinVar contains an entry for this variant (Variation ID: 663932). An algorithm developed to predict the effect of missense changes on protein structure and function (PolyPhen-2) suggests that this variant is likely to be disruptive. In summary, the available evidence is currently insufficient to determine the role of this variant in disease. Therefore, it has been classified as a Variant of Uncertain Significance.

Ambry Genetics
Classification: Uncertain significance for Hereditary cancer-predisposing syndrome. Last evaluated: 2025-03-28. Review status: criteria provided, single submitter. Criteria: Ambry Variant Classification Scheme 2023. Collection method: clinical testing. Allele origin: germline.
Comment: The p.K303E variant (also known as c.907A>G), located in coding exon 5 of the MSH3 gene, results from an A to G substitution at nucleotide position 907. The lysine at codon 303 is replaced by glutamic acid, an amino acid with similar properties. This amino acid position is highly conserved in available vertebrate species. In addition, this alteration is predicted to be deleterious by in silico analysis. Based on the available evidence, the clinical significance of this variant remains unclear.

Baylor Genetics
Classification: Uncertain significance for Endometrial carcinoma. Last evaluated: 2023-11-17. Review status: criteria provided, single submitter. Criteria: ACMG Guidelines, 2015. Collection method: clinical testing. Allele origin: unknown.

NM_002439.5(MSH3):c.907A>G (p.Lys303Glu)

Gene: MSH3 (mutS homolog 3; plus strand). Cytogenetic location: 5q14.1.
Variant type: single nucleotide variant.
Coding change: c.907A>G on transcript NM_002439.5 (MANE Select); coding-DNA position 907, A replaced by G.
Protein change: p.Lys303Glu; replaces lysine 303 with glutamic acid.
Molecular consequence: missense variant.
Genome position (GRCh38, 1-based): chr5:80,672,358, A>G. VCF-style: chr5-80672358-A-G. GRCh37 (hg19) VCF-style: chr5-79968177-A-G.
Other names: short protein forms K303E.
Identifiers: ClinVar variation 663932 (VCV000663932.13), dbSNP rs765742189, ClinGen allele CA3327740.
Genomic context (GRCh38, chr5:80,672,358, plus strand): 5'-GCAAGTATACCTACTCACAGACTGTTTGTTCATGTACGCCGCCTGGTGGCAAAAGGATAT[A>G]AGGTCAGCTTTGGCTTTAACTTGTGGGGAAAGGAAATTGGGATTCTCCTCCAGAGAGTGC-3'
Protein context (NP_002430.3, residues 293-313): HVRRLVAKGY[Lys303Glu]VGVVKQTETA